The following is an entry in ClinVar:

ClinVar aggregate classification (germline): Uncertain significance (1 of 4 stars; one submission).

Conditions:
Epilepsy, familial focal, with variable foci 3 (FFEVF3). Identifiers: MedGen C4310708, MONDO:0014925, OMIM 617118.

Allele frequency attached by ClinVar (database versions not stated): ESP Exome Variant Server 0.00008; 1000 Genomes Project 30x 0.00031.
gnomAD v4.1: 13 of 1,596,120 alleles (0.00081%); highest among the groups gnomAD compares: African/African-American, 0.011%; no homozygotes.

Submission:

Labcorp Genetics (formerly Invitae), Labcorp
Classification: Uncertain significance for Epilepsy, familial focal, with variable foci 3. Last evaluated: 2024-10-15. Review status: criteria provided, single submitter. Criteria: Invitae Variant Classification Sherloc (09022015). Collection method: clinical testing. Allele origin: germline.
Comment: This sequence change replaces valine, which is neutral and non-polar, with leucine, which is neutral and non-polar, at codon 550 of the NPRL3 protein (p.Val550Leu). The frequency data for this variant in the population databases is considered unreliable, as metrics indicate poor data quality at this position in the gnomAD database. This variant has not been reported in the literature in individuals affected with NPRL3-related conditions. ClinVar contains an entry for this variant (Variation ID: 1426893). Invitae Evidence Modeling of protein sequence and biophysical properties (such as structural, functional, and spatial information, amino acid conservation, physicochemical variation, residue mobility, and thermodynamic stability) indicates that this missense variant is not expected to disrupt NPRL3 protein function with a negative predictive value of 80%. In summary, the available evidence is currently insufficient to determine the role of this variant in disease. Therefore, it has been classified as a Variant of Uncertain Significance.

NM_001077350.3(NPRL3):c.1648G>T (p.Val550Leu)

Gene: NPRL3 (NPR3 like, GATOR1 complex subunit; minus strand). Cytogenetic location: 16p13.3.
Variant type: single nucleotide variant.
Coding change: c.1648G>T on transcript NM_001077350.3 (MANE Select); coding-DNA position 1648, G replaced by T.
Protein change: p.Val550Leu; replaces valine 550 with leucine.
Molecular consequence: missense variant.
Genome position (GRCh38, 1-based): chr16:86,767, C>A on the plus strand (G>T on the coding strand, the complement: NPRL3 is on the minus strand). VCF-style: chr16-86767-C-A. GRCh37 (hg19) VCF-style: chr16-136766-C-A.
Other names: c.1111G>T, p.Val371Leu (NM_001039476.3); c.1414G>T, p.Val472Leu (NM_001243247.2); c.1573G>T, p.Val525Leu (NM_001243248.2, NM_001243249.2); short protein forms V472L, V371L, V525L, V550L.
Identifiers: ClinVar variation 1426893 (VCV001426893.6), dbSNP rs188724206, ClinGen allele CA7769250.